The following is an entry in ClinVar:

NM_001257281.2(DIS3L2):c.1612C>T (p.Leu538Phe)

Gene: DIS3L2 (DIS3 like 3'-5' exoribonuclease 2; plus strand). Cytogenetic location: 2q37.1.
Variant type: single nucleotide variant.
Coding change: c.1612C>T on transcript NM_001257281.2; coding-DNA position 1612, C replaced by T.
Protein change: p.Leu538Phe; replaces leucine 538 with phenylalanine.
Molecular consequence: missense variant.
Genome position (GRCh38, 1-based): chr2:232,343,375, C>T. VCF-style: chr2-232343375-C-T. GRCh37 (hg19) VCF-style: chr2-233208085-C-T.
Other names: short protein forms L538F.
Identifiers: ClinVar variation 4813151 (VCV004813151.1).

ClinVar aggregate classification (germline): Uncertain significance (1 of 4 stars; one submission).

Conditions:
Perlman syndrome (PRLMNS). Identifiers: Orphanet 2849, MedGen C0796113, MONDO:0009965, OMIM 267000.

Submission:

St. Jude Molecular Pathology, St. Jude Children's Research Hospital
Classification: Uncertain significance for Perlman syndrome. Last evaluated: 2026-02-11. Review status: criteria provided, single submitter. Criteria: St. Jude Assertion Criteria 2020. Collection method: clinical testing. Allele origin: germline.
Comment: The DIS3L2 c.1612C>T p.(Leu538Phe) missense change is absent in gnomAD v2.1.1. The in silico tool REVEL predicts a benign effect on protein function, but to our knowledge these predictions have not been confirmed by functional studies. To our knowledge, this variant has not been reported in individuals with Perlman syndrome. In summary, the evidence currently available is insufficient to determine the clinical significance of this variant. It has therefore been classified as of uncertain significance.